The following is an entry in ClinVar:

NM_001277115.2(DNAH11):c.3263T>A (p.Ile1088Asn)

Genes: DNAH11 (dynein axonemal heavy chain 11; plus strand), LOC126859961 (BRD4-independent group 4 enhancer GRCh37_chr7:21639662-21640861; plus strand). Cytogenetic location: 7p15.3.
Variant type: single nucleotide variant.
Coding change: c.3263T>A on transcript NM_001277115.2 (MANE Select); coding-DNA position 3263, T replaced by A.
Protein change: p.Ile1088Asn; replaces isoleucine 1088 with asparagine.
Molecular consequence: missense variant.
Genome position (GRCh38, 1-based): chr7:21,601,017, T>A. VCF-style: chr7-21601017-T-A. GRCh37 (hg19) VCF-style: chr7-21640635-T-A.
Other names: short protein forms I1088N.
Identifiers: ClinVar variation 4844033 (VCV004844033.1).

ClinVar aggregate classification (germline): Uncertain significance (1 of 4 stars; one submission).

Conditions:
Primary ciliary dyskinesia. Also called: Ciliary dyskinesia. Identifiers: Orphanet 244, MedGen C0008780, MONDO:0016575, HP:0012265.

gnomAD v4.1: 16 of 1,610,848 alleles (0.00099%); highest among the groups gnomAD compares: Non-Finnish European, 0.0014%; no homozygotes.

Submission:

Ambry Genetics
Classification: Uncertain significance for Primary ciliary dyskinesia. Last evaluated: 2025-12-16. Review status: criteria provided, single submitter. Criteria: Ambry Variant Classification Scheme 2023. Collection method: clinical testing. Allele origin: germline.
Comment: The p.I1088N variant (also known as c.3263T>A), located in coding exon 17 of the DNAH11 gene, results from a T to A substitution at nucleotide position 3263. The isoleucine at codon 1088 is replaced by asparagine, an amino acid with dissimilar properties. This amino acid position is conserved. In addition, this alteration is predicted to be tolerated by in silico analysis. Based on the available evidence, the clinical significance of this variant remains unclear.